The following is an entry in ClinVar:

NM_000090.4(COL3A1):c.3370G>T (p.Ala1124Ser)

Gene: COL3A1 (collagen type III alpha 1 chain; plus strand). Cytogenetic location: 2q32.2.
Variant type: single nucleotide variant.
Coding change: c.3370G>T on transcript NM_000090.4 (MANE Select); coding-DNA position 3370, G replaced by T.
Protein change: p.Ala1124Ser; replaces alanine 1124 with serine.
Molecular consequence: missense variant.
Genome position (GRCh38, 1-based): chr2:189,007,891, G>T. VCF-style: chr2-189007891-G-T. GRCh37 (hg19) VCF-style: chr2-189872617-G-T.
Other names: short protein forms A1124S.
Identifiers: ClinVar variation 1355443 (VCV001355443.7), dbSNP rs1688630479, ClinGen allele CA349846027.

ClinVar aggregate classification (germline): Conflicting classifications of pathogenicity. Review status: criteria provided, conflicting classifications (1 of 4 stars). 4 submissions from 4 submitters: Uncertain significance (3); Likely benign (1). Last evaluated 2025-09-29.

Conditions:
Ehlers-Danlos syndrome, type 4 (EDSVASC). Also called: Ehlers-Danlos syndrome vascular type; Ehlers Danlos syndrome, ecchymotic type; Ehlers Danlos syndrome, arterial type; Ehlers Danlos syndrome, Sack-Barabas type; Ehlers-Danlos Syndrome Type IV. Identifiers: Orphanet 286, MedGen C0268338, MONDO:0017314, OMIM 130050.
Polymicrogyria with or without vascular-type Ehlers-Danlos syndrome. Identifiers: Orphanet 636941, MedGen C5193040, MONDO:0032688, OMIM 618343.
Familial thoracic aortic aneurysm and aortic dissection (TAAD). Also called: Thoracic aortic aneurysms and dissections. Identifiers: Orphanet 91387, MedGen C4707243, MONDO:0019625.

Submissions (4):

Color Diagnostics, LLC DBA Color Health
Classification: Likely benign for Familial thoracic aortic aneurysm and aortic dissection. Last evaluated: 2025-09-29. Review status: criteria provided, single submitter. Criteria: ACMG Guidelines, 2015. Collection method: clinical testing. Allele origin: germline.

Labcorp Genetics (formerly Invitae), Labcorp
Classification: Uncertain significance for Ehlers-Danlos syndrome, type 4. Last evaluated: 2025-02-13. Review status: criteria provided, single submitter. Criteria: Invitae Variant Classification Sherloc (09022015). Collection method: clinical testing. Allele origin: germline.
Comment: This sequence change replaces alanine, which is neutral and non-polar, with serine, which is neutral and polar, at codon 1124 of the COL3A1 protein (p.Ala1124Ser). This variant is not present in population databases (gnomAD no frequency). This variant has not been reported in the literature in individuals affected with COL3A1-related conditions. ClinVar contains an entry for this variant (Variation ID: 1355443). Invitae Evidence Modeling of protein sequence and biophysical properties (such as structural, functional, and spatial information, amino acid conservation, physicochemical variation, residue mobility, and thermodynamic stability) indicates that this missense variant is not expected to disrupt COL3A1 protein function with a negative predictive value of 95%. In summary, the available evidence is currently insufficient to determine the role of this variant in disease. Therefore, it has been classified as a Variant of Uncertain Significance.

All of Us Research Program, National Institutes of Health
Classification: Uncertain significance for Ehlers-Danlos syndrome, type 4. Last evaluated: 2023-05-04. Review status: criteria provided, single submitter. Criteria: ACMG Guidelines, 2015. Collection method: clinical testing. Allele origin: germline. Inheritance: Autosomal dominant inheritance. Observed: 1 variant allele, 1 heterozygote.
Comment: This missense variant replaces alanine with serine at codon 1124 of the COL3A1 protein. Computational prediction suggests that this variant may not impact protein structure and function (internally defined REVEL score threshold <= 0.5, PMID: 27666373). To our knowledge, functional studies have not been reported for this variant. This variant has not been reported in individuals affected with COL3A1-related disorders in the literature. This variant has not been identified in the general population by the Genome Aggregation Database (gnomAD). The available evidence is insufficient to determine the role of this variant in disease conclusively. Therefore, this variant is classified as a Variant of Uncertain Significance.

This study involves interpretation of variants in research participants for the purpose of population health screening. Participant phenotype was not available at the time of variant classification. Additional details can be found in publication PMID: 35346344, PMCID: PMC8962531

Fulgent Genetics
Classification: Uncertain significance for Ehlers-Danlos syndrome, type 4; Polymicrogyria with or without vascular-type Ehlers-Danlos syndrome. Last evaluated: 2021-07-08. Review status: criteria provided, single submitter. Criteria: ACMG Guidelines, 2015. Collection method: clinical testing. Allele origin: unknown.